The following is an entry in ClinVar:

NM_000238.4(KCNH2):c.2764del (p.Arg922fs)

Gene: KCNH2 (potassium voltage-gated channel subfamily H member 2; minus strand). Cytogenetic location: 7q36.1.
Variant type: Deletion.
Coding change: c.2764del on transcript NM_000238.4 (MANE Select); coding-DNA position 2764, one base deleted (C; older notation c.2764delC).
Protein change: p.Arg922fs; shifts the reading frame from arginine 922.
Molecular consequence: frameshift variant.
Genome position (GRCh38, 1-based): chr7:150,947,807, G deleted on the plus strand (C on the coding strand, the reverse complement: KCNH2 is on the minus strand); the first of 2 consecutive G bases (chr7:150,947,807-150,947,808); deleting either gives the same sequence. VCF-style (leftmost placement, unchanged base first): chr7-150947806-CG-C. GRCh37 (hg19) VCF-style: chr7-150644894-CG-C.
Other names: c.1744del, p.Arg582fs (NM_172057.3); c.2764delC (NM_000238.2); c.2764del (NM_000238.2); short protein forms R582fs, R922fs.
Identifiers: ClinVar variation 200668 (VCV000200668.3), dbSNP rs794728453, ClinGen allele CA007339.

ClinVar aggregate classification (germline): Likely pathogenic (1 of 4 stars; one submission).

Submission:

GeneDx
Classification: Likely pathogenic. Last evaluated: 2024-11-05. Review status: criteria provided, single submitter. Criteria: GeneDx Variant Classification Process June 2021. Collection method: clinical testing. Allele origin: germline. Affected: yes.
Comment: Has not been previously published as pathogenic or benign to our knowledge; Not observed at significant frequency in large population cohorts (gnomAD); Frameshift variant predicted to result in protein truncation or nonsense mediated decay in a gene for which loss of function is a known mechanism of disease